The following is an entry in ClinVar:

NM_139343.3(BIN1):c.1132-2A>G

Gene: BIN1 (bridging integrator 1; minus strand). Cytogenetic location: 2q14.3.
Variant type: single nucleotide variant.
Coding change: c.1132-2A>G on transcript NM_139343.3 (MANE Select); the canonical splice acceptor site of the intron before coding-DNA position 1132, A replaced by G.
Molecular consequence: splice acceptor variant. On other transcripts: intron variant (12).
Genome position (GRCh38, 1-based): chr2:127,054,014, T>C on the plus strand (A>G on the coding strand, the complement: BIN1 is on the minus strand). VCF-style: chr2-127054014-T-C. GRCh37 (hg19) VCF-style: chr2-127811590-T-C.
Other names: c.1051-2A>G (NM_001320642.1); c.838-3102A>G (NM_001320634.1); c.910-3102A>G (NM_139351.3); c.910-2771A>G (NM_139350.3); c.910-1652A>G (NM_139349.3); c.1039-2771A>G (NM_139348.3); c.1039-1652A>G (NM_139347.3); c.1039-2A>G (NM_001320641.2); and 7 more.
Identifiers: ClinVar variation 566386 (VCV000566386.7), dbSNP rs1295546366, ClinGen allele CA348377258.

ClinVar aggregate classification (germline): Uncertain significance (1 of 4 stars; one submission).

Conditions:
Myopathy, centronuclear, 2 (CNM2). Also called: MYOTUBULAR MYOPATHY, AUTOSOMAL RECESSIVE. Identifiers: Orphanet 169186, MedGen CN031787, MONDO:0009709, OMIM 255200.

Allele frequency attached by ClinVar (database versions not stated): TOPMed below 0.00001.

Submission:

Labcorp Genetics (formerly Invitae), Labcorp
Classification: Uncertain significance for Myopathy, centronuclear, 2. Last evaluated: 2020-03-24. Review status: criteria provided, single submitter. Criteria: Invitae Variant Classification Sherloc (09022015). Collection method: clinical testing. Allele origin: germline.
Comment: In summary, the available evidence is currently insufficient to determine the role of this variant in disease. Therefore, it has been classified as a Variant of Uncertain Significance. The current clinical and genetic evidence is not sufficient to establish whether loss-of-function variants in BIN1 cause disease. Algorithms developed to predict the effect of sequence changes on RNA splicing suggest that this variant may disrupt the consensus splice site, but this prediction has not been confirmed by published transcriptional studies. This variant has not been reported in the literature in individuals with BIN1-related conditions. ClinVar contains an entry for this variant (Variation ID: 566386). This variant is not present in population databases (ExAC no frequency). This sequence change affects an acceptor splice site in intron 12 of the BIN1 gene. It is expected to disrupt RNA splicing and likely results in an absent or disrupted protein product.